The following is an entry in ClinVar:

ClinVar aggregate classification (germline): Uncertain significance. Review status: criteria provided, multiple submitters, no conflicts (2 of 4 stars). 2 submissions from 2 submitters: Uncertain significance (2). Last evaluated 2025-06-11.

Conditions:
DEPDC5-related disorder. Also called: DEPDC5-related condition; DEPDC5-related related disorder.

gnomAD v4.1: 3 of 1,614,004 alleles (0.00019%); highest among the groups gnomAD compares: East Asian, 0.0045%; no homozygotes.

Submissions (2):

PreventionGenetics, part of Exact Sciences
Classification: Uncertain significance for DEPDC5-related condition. Last evaluated: 2025-06-11. Review status: criteria provided, single submitter. Criteria: ACMG Guidelines, 2015. Collection method: clinical testing. Allele origin: germline.
Comment: The DEPDC5 c.4136C>G variant is predicted to result in the amino acid substitution p.Ser1379Cys. To our knowledge, this variant has not been reported in the literature. This variant is reported in 0.0018% of alleles in individuals of European (Non-Finnish) descent in gnomAD. At this time, the clinical significance of this variant is uncertain due to the absence of conclusive functional and genetic evidence.

GeneDx
Classification: Uncertain significance. Last evaluated: 2023-03-22. Review status: criteria provided, single submitter. Criteria: GeneDx Variant Classification Process June 2021. Collection method: clinical testing. Allele origin: germline. Affected: yes.
Comment: Not observed at significant frequency in large population cohorts (gnomAD); In silico analysis supports that this missense variant does not alter protein structure/function; Has not been previously published as pathogenic or benign to our knowledge

NM_001242896.3(DEPDC5):c.4136C>G (p.Ser1379Cys)

Gene: DEPDC5 (DEP domain containing 5, GATOR1 subcomplex subunit; plus strand). Cytogenetic location: 22q12.3.
Variant type: single nucleotide variant.
Coding change: c.4136C>G on transcript NM_001242896.3 (MANE Select); coding-DNA position 4136, C replaced by G.
Protein change: p.Ser1379Cys; replaces serine 1379 with cysteine.
Molecular consequence: missense variant. On other transcripts: non-coding transcript variant (5).
Genome position (GRCh38, 1-based): chr22:31,893,684, C>G. VCF-style: chr22-31893684-C-G. GRCh37 (hg19) VCF-style: chr22-32289670-C-G.
Other names: c.4109C>G, p.Ser1370Cys (NM_001136029.4); c.3836C>G, p.Ser1279Cys (NM_001242897.2); c.4070C>G, p.Ser1357Cys (NM_001363852.2, NM_001364320.2); c.3902C>G, p.Ser1301Cys (NM_001363854.2, NM_001364319.2); c.4136C>G, p.Ser1379Cys (NM_001364318.2); c.4052C>G, p.Ser1351Cys (NM_001369901.1, NM_001369902.1); c.4043C>G, p.Ser1348Cys (NM_001369903.1, NM_014662.6); short protein forms S1279C, S1301C, S1348C, S1351C, S1357C, S1370C, S1379C.
Identifiers: ClinVar variation 2580605 (VCV002580605.2), dbSNP rs765244692, ClinGen allele CA411287136.
Genomic context (GRCh38, chr22:31,893,684, plus strand): 5'-ACGTGAACAACCGCACAGACCGGCTGGAGTGGTGCAGCTGTTATTACCATGGCAACTTTT[C>G]TCTGAATGCAGCCTTTGAGATCAAGCTGCACTGGATGGCGGTGACCGCAGCAGTACTCTT-3'
Protein context (NP_001229825.1, residues 1369-1389): WCSCYYHGNF[Ser1379Cys]LNAAFEIKLH